The following is an entry in ClinVar:

NM_001267550.2(TTN):c.11311+4925C>G

Genes: TTN (titin; minus strand), LOC126806432 (CDK7 strongly-dependent group 2 enhancer GRCh37_chr2:179611985-179613184; plus strand). Cytogenetic location: 2q31.2.
Variant type: single nucleotide variant.
Coding change: c.11311+4925C>G on transcript NM_001267550.2 (MANE Select); 4925 bases into the intron after coding-DNA position 11311, C replaced by G.
Molecular consequence: intron variant. On other transcripts: missense variant (1).
Genome position (GRCh38, 1-based): chr2:178,748,199, G>C on the plus strand (C>G on the coding strand, the complement: TTN is on the minus strand). VCF-style: chr2-178748199-G-C. GRCh37 (hg19) VCF-style: chr2-179612926-G-C.
Other names: c.14201C>G, p.Ala4734Gly (NM_133379.5); c.10222+4925C>G (NM_003319.4); c.10798+4925C>G (NM_133437.4); c.10597+4925C>G (NM_133432.3); c.10360+4925C>G (NM_133378.4, NM_001256850.1); short protein forms A4734G.
Identifiers: ClinVar variation 3234779 (VCV003234779.20), dbSNP rs2084232727, ClinGen allele CA349642384.

ClinVar aggregate classification (germline): Uncertain significance (1 of 4 stars; one submission).

Submission:

CeGaT Center for Human Genetics Tuebingen
Classification: Uncertain significance. Last evaluated: 2024-04-01. Review status: criteria provided, single submitter. Criteria: CeGaT Center For Human Genetics Tuebingen Variant Classification Criteria Version 2. Collection method: clinical testing. Allele origin: germline. Affected: yes. Observed: 1 variant allele.
Comment: TTN: PM2, BP4